The following is an entry in ClinVar:

ClinVar aggregate classification (germline): Uncertain significance. Review status: criteria provided, multiple submitters, no conflicts (2 of 4 stars). 3 submissions from 3 submitters: Uncertain significance (3). Last evaluated 2025-09-28.

Conditions:
Inborn genetic diseases. Identifiers: MedGen C0950123, MeSH D030342.

Allele frequency attached by ClinVar (database versions not stated): ExAC 0.00001; gnomAD 0.00001; gnomAD exomes 0.00001.
gnomAD v4.1: 5 of 1,613,536 alleles (0.00031%); highest among the groups gnomAD compares: African/African-American, 0.0027%; no homozygotes.

Submissions (3):

Ambry Genetics
Classification: Uncertain significance for Inborn genetic diseases. Last evaluated: 2025-09-28. Review status: criteria provided, single submitter. Criteria: Ambry Variant Classification Scheme 2023. Collection method: clinical testing. Allele origin: germline.

GeneDx
Classification: Uncertain significance. Last evaluated: 2023-12-05. Review status: criteria provided, single submitter. Criteria: GeneDx Variant Classification Process June 2021. Collection method: clinical testing. Allele origin: germline. Affected: yes.
Comment: In silico analysis supports that this missense variant does not alter protein structure/function; Has not been previously published as pathogenic or benign to our knowledge

Labcorp Genetics (formerly Invitae), Labcorp
Classification: Uncertain significance. Last evaluated: 2021-06-10. Review status: criteria provided, single submitter. Criteria: Invitae Variant Classification Sherloc (09022015). Collection method: clinical testing. Allele origin: germline.
Comment: This variant has not been reported in the literature in individuals with DLL4-related conditions. In summary, the available evidence is currently insufficient to determine the role of this variant in disease. Therefore, it has been classified as a Variant of Uncertain Significance. Algorithms developed to predict the effect of missense changes on protein structure and function are either unavailable or do not agree on the potential impact of this missense change (SIFT: "Deleterious"; PolyPhen-2: "Probably Damaging"; Align-GVGD: "Class C0"). This variant is present in population databases (rs201505624, ExAC 0.02%). This sequence change replaces arginine with histidine at codon 186 of the DLL4 protein (p.Arg186His). The arginine residue is highly conserved and there is a small physicochemical difference between arginine and histidine.

NM_019074.4(DLL4):c.557G>A (p.Arg186His)

Gene: DLL4 (delta like canonical Notch ligand 4; plus strand). Cytogenetic location: 15q15.1.
Variant type: single nucleotide variant.
Coding change: c.557G>A on transcript NM_019074.4 (MANE Select); coding-DNA position 557, G replaced by A.
Protein change: p.Arg186His; replaces arginine 186 with histidine.
Molecular consequence: missense variant.
Genome position (GRCh38, 1-based): chr15:40,931,665, G>A. VCF-style: chr15-40931665-G-A. GRCh37 (hg19) VCF-style: chr15-41223863-G-A.
Other names: c.557G>A (NM_019074.3); short protein forms R186H.
Identifiers: ClinVar variation 1464693 (VCV001464693.10), dbSNP rs201505624, ClinGen allele CA7487704.
Genomic context (GRCh38, chr15:40,931,665, plus strand): 5'-GGCTGCGCTACTCTTACCGGGTCATCTGCAGTGACAACTACTATGGAGACAACTGCTCCC[G>A]CCTGTGCAAGAAGCGCAATGACCACTTCGGCCACTATGTGTGCCAGCCAGATGGCAACTT-3'
Protein context (NP_061947.1, residues 176-196): SDNYYGDNCS[Arg186His]LCKKRNDHFG